The following is an entry in ClinVar:

ClinVar aggregate classification (germline): Pathogenic (1 of 4 stars; one submission).

Conditions:
Lodder-Merla syndrome, type 1, with impaired intellectual development and cardiac arrhythmia. Also called: Intellectual developmental disorder with cardiac arrhythmia; Gnb5-related intellectual disability-cardiac arrhythmia syndrome. Identifiers: Orphanet 542306, MedGen C5568877, MONDO:0014953, OMIM 617173.

Submission:

Plataforma de Genómica Funcional - SJD, Institut De Recerca Sant Joan De Déu
Classification: Pathogenic for Lodder-Merla syndrome, type 1, with impaired intellectual development and cardiac arrhythmia. Last evaluated: 2025-07-17. Review status: criteria provided, single submitter. Criteria: ACMG Guidelines, 2015. Collection method: clinical testing. Allele origin: maternal. Inheritance: Autosomal recessive inheritance. Affected: yes.
Comment: The c.514delT variant (NM_016194.4) in GNB5 is a frameshift variant predicted to disrupt the translational reading frame. This alteration introduces a premature stop codon (p.(Ser172Leufs*5)) and is expected to result in a truncated or absent protein product. The premature stop codon is in a biologically-relevant-exon leading to nonsense mediated decay in a gene in which loss-of-function is an established disease mechanism (PVS1).This variant is absent from population databases (gnomAD v4.1; PM2_supporting). This variant has been identified in a compound heterozygous state in an individual with severe impaired intellectual development and cardiac arrhythmia (PMID: 37994112, Internal lab contributor). Functional studies performed in patient's fibroblasts conducted at the Neurogenetics and Molecular Medicine Laboratory showed aberrant protein function (PMID: 37994112; PS3). In summary, this variant meets the criteria to be classified as Pathogenic based on the ACMG/AMP criteria applied.

Literature cited by the submitters: PubMed 37994112.

NM_016194.4(GNB5):c.514del (p.Ser172fs)

Gene: GNB5 (G protein subunit beta 5; minus strand). Cytogenetic location: 15q21.2.
Variant type: Deletion.
Coding change: c.514del on transcript NM_016194.4 (MANE Select); coding-DNA position 514, one base deleted (T; older notation c.514delT).
Protein change: p.Ser172fs; shifts the reading frame from serine 172.
Molecular consequence: frameshift variant.
Genome position (GRCh38, 1-based): chr15:52,141,253, A deleted on the plus strand (T on the coding strand, the reverse complement: GNB5 is on the minus strand); the first of 2 consecutive A bases (chr15:52,141,253-52,141,254); deleting either gives the same sequence. VCF-style (leftmost placement, unchanged base first): chr15-52141252-GA-G. GRCh37 (hg19) VCF-style: chr15-52433449-GA-G.
Other names: c.232del, p.Ser78fs (NM_001379343.1); c.388del, p.Ser130fs (NM_006578.4); c.514delT (NM_016194.4); short protein forms S130fs, S172fs, S78fs.
Identifiers: ClinVar variation 4073558 (VCV004073558.1).
Genomic context (GRCh38, chr15:52,141,252, plus strand): 5'-GCAACAGACTTCTTTTTGGCAGCCATGTTTTCATTTTTGTCAAACGTCAAGGGGTACACA[GA>G]ACACTTATTATCCAAACCACTAGGATGGAAAGAAAGAAGTACCAAAGATTAATGCAGAGT-3'